The following is an entry in ClinVar:

NM_013254.4(TBK1):c.108T>C (p.Ala36=)

Gene: TBK1 (TANK binding kinase 1; plus strand). Cytogenetic location: 12q14.2.
Variant type: single nucleotide variant.
Coding change: c.108T>C on transcript NM_013254.4 (MANE Select); coding-DNA position 108, T replaced by C.
Protein change: p.Ala36=; no amino-acid change (alanine 36 retained).
Molecular consequence: synonymous variant.
Genome position (GRCh38, 1-based): chr12:64,460,209, T>C. VCF-style: chr12-64460209-T-C. GRCh37 (hg19) VCF-style: chr12-64853989-T-C.
Other names: p.Ala36=.
Identifiers: ClinVar variation 706307 (VCV000706307.10), dbSNP rs202056661, ClinGen allele CA6668720.

ClinVar aggregate classification (germline): Benign/Likely benign. Review status: criteria provided, multiple submitters, no conflicts (2 of 4 stars). 2 submissions from 2 submitters: Benign (1); Likely benign (1). Last evaluated 2025-10-09.

Conditions:
Frontotemporal dementia and/or amyotrophic lateral sclerosis 4. Also called: FTDALS4. Identifiers: Orphanet 275872, MedGen C4225325, MONDO:0014641, OMIM 616439.

Allele frequency attached by ClinVar (database versions not stated): ExAC 0.00031; 1000 Genomes Project 30x 0.00016; TOPMed 0.00002; gnomAD exomes 0.00006 and 0.00023; gnomAD 0.00012; 1000 Genomes Project 0.00020.
gnomAD v4.1: 109 of 1,524,618 alleles (0.0071%); highest among the groups gnomAD compares: Non-Finnish European, 0.0035%; no homozygotes.

Submissions (2):

Mayo Clinic Laboratories, Mayo Clinic
Classification: Likely benign. Last evaluated: 2025-10-09. Review status: criteria provided, single submitter. Criteria: ACMG Guidelines, 2015. Collection method: clinical testing. Allele origin: germline. Observed: 1 variant allele.
Comment: BS1, BP4, BP7

Labcorp Genetics (formerly Invitae), Labcorp
Classification: Benign for Frontotemporal dementia and/or amyotrophic lateral sclerosis 4. Last evaluated: 2024-06-02. Review status: criteria provided, single submitter. Criteria: Invitae Variant Classification Sherloc (09022015). Collection method: clinical testing. Allele origin: germline.